The following is an entry in ClinVar:

ClinVar aggregate classification (germline): Uncertain significance. Review status: criteria provided, multiple submitters, no conflicts (2 of 4 stars). 2 submissions from 2 submitters: Uncertain significance (2). Last evaluated 2025-10-25.

Conditions:
Primary ciliary dyskinesia. Also called: Ciliary dyskinesia. Identifiers: Orphanet 244, MedGen C0008780, MONDO:0016575, HP:0012265.

Allele frequency attached by ClinVar (database versions not stated): gnomAD 0.00001; TOPMed 0.00001.
gnomAD v4.1: 29 of 1,610,178 alleles (0.0018%); highest among the groups gnomAD compares: Non-Finnish European, 0.0025%; no homozygotes.

Submissions (2):

Ambry Genetics
Classification: Uncertain significance for Primary ciliary dyskinesia. Last evaluated: 2025-10-25. Review status: criteria provided, single submitter. Criteria: Ambry Variant Classification Scheme 2023. Collection method: clinical testing. Allele origin: germline.
Comment: The p.E376K variant (also known as c.1126G>A), located in coding exon 9 of the DNAAF3 gene, results from a G to A substitution at nucleotide position 1126. The glutamic acid at codon 376 is replaced by lysine, an amino acid with similar properties. This amino acid position is conserved. In addition, this alteration is predicted to be tolerated by in silico analysis. Based on the available evidence, the clinical significance of this variant remains unclear.

Labcorp Genetics (formerly Invitae), Labcorp
Classification: Uncertain significance for Ciliary dyskinesia. Last evaluated: 2018-01-16. Review status: criteria provided, single submitter. Criteria: Invitae Variant Classification Sherloc (09022015). Collection method: clinical testing. Allele origin: germline.
Comment: This sequence change replaces glutamic acid with lysine at codon 376 of the DNAAF3 protein (p.Glu376Lys). The glutamic acid residue is moderately conserved and there is a small physicochemical difference between glutamic acid and lysine. This variant is not present in population databases (ExAC no frequency). This variant has not been reported in the literature in individuals with DNAAF3-related disease. Algorithms developed to predict the effect of missense changes on protein structure and function do not agree on the potential impact of this missense change (SIFT: "Deleterious"; PolyPhen-2: "Benign"; Align-GVGD: "Class C0"). In summary, the available evidence is currently insufficient to determine the role of this variant in disease. Therefore, it has been classified as a Variant of Uncertain Significance.

NM_001256715.2(DNAAF3):c.922G>A (p.Glu308Lys)

Genes: DNAAF3 (dynein axonemal assembly factor 3; minus strand), DNAAF3-AS1 (DNAAF3 antisense RNA 1; plus strand). Cytogenetic location: 19q13.42.
Variant type: single nucleotide variant.
Coding change: c.922G>A on transcript NM_001256715.2 (MANE Select); coding-DNA position 922, G replaced by A.
Protein change: p.Glu308Lys; replaces glutamic acid 308 with lysine.
Molecular consequence: missense variant.
Genome position (GRCh38, 1-based): chr19:55,160,766, C>T on the plus strand (G>A on the coding strand, the complement: DNAAF3 is on the minus strand). VCF-style: chr19-55160766-C-T. GRCh37 (hg19) VCF-style: chr19-55672134-C-T.
Other names: c.760G>A, p.Glu254Lys (NM_001256716.2); c.1063G>A, p.Glu355Lys (NM_178837.4); c.1126G>A, p.Glu376Lys (NM_001256714.1); short protein forms E355K, E376K, E254K, E308K.
Identifiers: ClinVar variation 572142 (VCV000572142.2), dbSNP rs1026878171, ClinGen allele CA310153175.